The following is an entry in ClinVar:

ClinVar aggregate classification (germline): Uncertain significance. Review status: criteria provided, multiple submitters, no conflicts (2 of 4 stars). 3 submissions from 3 submitters: Uncertain significance (3). Last evaluated 2026-05-03.

Conditions:
BBS4-related disorder. Also called: BBS4-related condition.
Bardet-Biedl syndrome (BBS). Identifiers: Orphanet 110, MedGen C0752166, MONDO:0015229.
Bardet-Biedl syndrome 4 (BBS4). Identifiers: Orphanet 110, MedGen C2936864, MONDO:0014433, OMIM 615982.

Allele frequency attached by ClinVar (database versions not stated): gnomAD 0.00001; ExAC 0.00002; gnomAD exomes 0.00003 and 0.00005.
gnomAD v4.1: 70 of 1,614,174 alleles (0.0043%); highest among the groups gnomAD compares: East Asian, 0.14%; no homozygotes.

Submissions (3):

PreventionGenetics, part of Exact Sciences
Classification: Uncertain significance for BBS4-related condition. Last evaluated: 2026-05-03. Review status: criteria provided, single submitter. Criteria: ACMG Guidelines, 2015. Collection method: clinical testing. Allele origin: germline.
Comment: The BBS4 c.1223A>G variant is predicted to result in the amino acid substitution p.Asn408Ser. To our knowledge, this variant has not been reported in the literature. This variant is reported in 0.027% of alleles in individuals of East Asian descent in gnomAD. At this time, the clinical significance of this variant is uncertain due to the absence of conclusive functional and genetic evidence.

Fulgent Genetics
Classification: Uncertain significance for Bardet-Biedl syndrome 4. Last evaluated: 2024-04-02. Review status: criteria provided, single submitter. Criteria: ACMG Guidelines, 2015. Collection method: clinical testing. Allele origin: germline.

Labcorp Genetics (formerly Invitae), Labcorp
Classification: Uncertain significance for Bardet-Biedl syndrome. Last evaluated: 2022-05-25. Review status: criteria provided, single submitter. Criteria: Invitae Variant Classification Sherloc (09022015). Collection method: clinical testing. Allele origin: germline.
Comment: This sequence change replaces asparagine, which is neutral and polar, with serine, which is neutral and polar, at codon 408 of the BBS4 protein (p.Asn408Ser). This variant is present in population databases (rs751716258, gnomAD 0.03%). This variant has not been reported in the literature in individuals affected with BBS4-related conditions. ClinVar contains an entry for this variant (Variation ID: 961188). Algorithms developed to predict the effect of missense changes on protein structure and function output the following: SIFT: "Tolerated"; PolyPhen-2: "Benign"; Align-GVGD: "Class C0". The serine amino acid residue is found in multiple mammalian species, which suggests that this missense change does not adversely affect protein function. In summary, the available evidence is currently insufficient to determine the role of this variant in disease. Therefore, it has been classified as a Variant of Uncertain Significance.

NM_033028.5(BBS4):c.1223A>G (p.Asn408Ser)

Gene: BBS4 (Bardet-Biedl syndrome 4; plus strand). Cytogenetic location: 15q24.1.
Variant type: single nucleotide variant.
Coding change: c.1223A>G on transcript NM_033028.5 (MANE Select); coding-DNA position 1223, A replaced by G.
Protein change: p.Asn408Ser; replaces asparagine 408 with serine.
Molecular consequence: missense variant. On other transcripts: non-coding transcript variant (2).
Genome position (GRCh38, 1-based): chr15:72,735,941, A>G. VCF-style: chr15-72735941-A-G. GRCh37 (hg19) VCF-style: chr15-73028282-A-G.
Other names: c.707A>G, p.Asn236Ser (NM_001252678.2); c.1154A>G, p.Asn385Ser (NM_001320665.2); short protein forms N236S, N385S, N408S.
Identifiers: ClinVar variation 961188 (VCV000961188.10), dbSNP rs751716258, ClinGen allele CA7646952.